The following is an entry in ClinVar:

NM_177438.3(DICER1):c.824A>C (p.Glu275Ala)

Gene: DICER1 (dicer 1, ribonuclease III; minus strand). Cytogenetic location: 14q32.13.
Variant type: single nucleotide variant.
Coding change: c.824A>C on transcript NM_177438.3 (MANE Select); coding-DNA position 824, A replaced by C.
Protein change: p.Glu275Ala; replaces glutamic acid 275 with alanine.
Molecular consequence: missense variant. On other transcripts: non-coding transcript variant (6), 5 prime UTR variant (1).
Genome position (GRCh38, 1-based): chr14:95,126,659, T>G on the plus strand (A>C on the coding strand, the complement: DICER1 is on the minus strand). VCF-style: chr14-95126659-T-G. GRCh37 (hg19) VCF-style: chr14-95592996-T-G.
Other names: c.824A>C, p.Glu275Ala (NM_001195573.1, NM_001271282.3, NM_001291628.2 and 14 more transcripts); c.542A>C, p.Glu181Ala (NM_001395686.1); c.419A>C, p.Glu140Ala (NM_001395687.1, NM_001395688.1, NM_001395689.1 and 3 more transcripts); c.-745A>C (NM_001395697.1); c.257A>C, p.Glu86Ala (NM_001395691.1); short protein forms E275A, E140A, E86A, E181A.
Identifiers: ClinVar variation 5035333 (VCV005035333.1).

ClinVar aggregate classification (germline): Uncertain significance (1 of 4 stars; one submission).

Conditions:
Hereditary cancer-predisposing syndrome. Also called: Hereditary Cancer Syndrome; Neoplastic Syndromes, Hereditary; Tumor predisposition; Hereditary neoplastic syndrome. Identifiers: Orphanet 140162, MedGen C0027672, MeSH D009386, MONDO:0015356.

Submission:

Ambry Genetics
Classification: Uncertain significance for Hereditary cancer-predisposing syndrome. Last evaluated: 2026-09-03. Review status: criteria provided, single submitter. Criteria: Ambry Variant Classification Scheme 2023. Collection method: clinical testing. Allele origin: germline.
Comment: The p.E275A variant (also known as c.824A>C), located in coding exon 6 of the DICER1 gene, results from an A to C substitution at nucleotide position 824. The glutamic acid at codon 275 is replaced by alanine, an amino acid with dissimilar properties. This amino acid position is not well conserved in available vertebrate species. In addition, this alteration is predicted to be tolerated by in silico analysis. Based on the available evidence, the clinical significance of this variant remains unclear.